The following is an entry in ClinVar:

NM_000322.5(PRPH2):c.52del (p.Gln18fs)

Gene: PRPH2 (peripherin 2; minus strand). Cytogenetic location: 6p21.1.
Variant type: Deletion.
Coding change: c.52del on transcript NM_000322.5 (MANE Select); coding-DNA position 52, one base deleted (C; older notation c.52delC).
Protein change: p.Gln18fs; shifts the reading frame from glutamine 18.
Molecular consequence: frameshift variant.
Genome position (GRCh38, 1-based): chr6:42,722,283, G deleted on the plus strand (C on the coding strand, the reverse complement: PRPH2 is on the minus strand); the first of 3 consecutive G bases (chr6:42,722,283-42,722,285); deleting any one gives the same sequence. VCF-style (leftmost placement, unchanged base first): chr6-42722282-TG-T. GRCh37 (hg19) VCF-style: chr6-42690020-TG-T.
Other names: short protein forms Q18fs.
Identifiers: ClinVar variation 1074234 (VCV001074234.7), dbSNP rs2152011142, ClinGen allele CA2499218311.

ClinVar aggregate classification (germline): Pathogenic (1 of 4 stars; one submission).

Conditions:
PRPH2-related disorder. Also called: PRPH2-related condition; PRPH2-related disorders. Identifiers: MedGen CN239395.

Submission:

Labcorp Genetics (formerly Invitae), Labcorp
Classification: Pathogenic for PRPH2-related disorder. Last evaluated: 2020-10-19. Review status: criteria provided, single submitter. Criteria: Invitae Variant Classification Sherloc (09022015). Collection method: clinical testing. Allele origin: germline.
Comment: For these reasons, this variant has been classified as Pathogenic. This variant has not been reported in the literature in individuals with PRPH2-related conditions. This variant is not present in population databases (ExAC no frequency). This sequence change creates a premature translational stop signal (p.Gln18Lysfs*6) in the PRPH2 gene. It is expected to result in an absent or disrupted protein product. Loss-of-function variants in PRPH2 are known to be pathogenic (PMID: 8111389, 8485576, 8675410, 16916875, 17504850, 25675413, 26061163, 27365499, 29555955).

Literature cited by the submitters: PubMed 8111389; PubMed 8485576; PubMed 8675410; PubMed 16916875; PubMed 17504850; PubMed 25675413; PubMed 26061163; PubMed 27365499; PubMed 29555955.